The following is an entry in ClinVar:

ClinVar aggregate classification (germline): Uncertain significance (1 of 4 stars; one submission).

gnomAD v4.1: 1 of 1,612,308 alleles (0.000062%); highest among the groups gnomAD compares: Non-Finnish European, 0.000085%; no homozygotes.

Submission:

GeneDx
Classification: Uncertain significance. Last evaluated: 2019-07-17. Review status: criteria provided, single submitter. Criteria: GeneDx Variant Classification Process June 2021. Collection method: clinical testing. Allele origin: germline. Affected: yes.
Comment: Reported as present in a neonate with CPS I deficiency and no other variant identified (Haberle et al., 2011); Not observed in large population cohorts (Lek et al., 2016); In silico analysis, which includes protein predictors and evolutionary conservation, supports a deleterious effect; This variant is associated with the following publications: (PMID: 21120950)

NM_001875.5(CPS1):c.1592T>A (p.Val531Glu)

Gene: CPS1 (carbamoyl-phosphate synthase 1; plus strand). Cytogenetic location: 2q34.
Variant type: single nucleotide variant.
Coding change: c.1592T>A on transcript NM_001875.5 (MANE Select); coding-DNA position 1592, T replaced by A.
Protein change: p.Val531Glu; replaces valine 531 with glutamic acid.
Molecular consequence: missense variant. On other transcripts: non-coding transcript variant (2).
Genome position (GRCh38, 1-based): chr2:210,600,597, T>A. VCF-style: chr2-210600597-T-A. GRCh37 (hg19) VCF-style: chr2-211465321-T-A.
Other names: c.1592T>A, p.Val531Glu (NM_001122633.3, NM_001369257.1); c.1625T>A, p.Val542Glu (NM_001369256.1); short protein forms V531E, V542E.
Identifiers: ClinVar variation 1303074 (VCV001303074.2), dbSNP rs2105840363, ClinGen allele CA350436674.